The following is an entry in ClinVar:

NM_000548.5(TSC2):c.1864C>G (p.Arg622Gly)

Gene: TSC2 (TSC complex subunit 2; plus strand). Cytogenetic location: 16p13.3.
Variant type: single nucleotide variant.
Coding change: c.1864C>G on transcript NM_000548.5 (MANE Select); coding-DNA position 1864, C replaced by G.
Protein change: p.Arg622Gly; replaces arginine 622 with glycine.
Molecular consequence: missense variant. On other transcripts: non-coding transcript variant (5).
Genome position (GRCh38, 1-based): chr16:2,071,534, C>G. VCF-style: chr16-2071534-C-G. GRCh37 (hg19) VCF-style: chr16-2121535-C-G.
Other names: c.1264C>G, p.Arg422Gly (NM_001406680.1, NM_001406682.1, NM_001406683.1 and 6 more transcripts); c.1402C>G, p.Arg468Gly (NM_001406681.1); c.520C>G, p.Arg174Gly (NM_001406689.1, NM_001406690.1, NM_001406691.1 and 6 more transcripts); c.262C>G, p.Arg88Gly (NM_001406698.1); c.1864C>G, p.Arg622Gly (NM_021055.3, NM_001077183.3, NM_001114382.3 and 6 more transcripts); c.1753C>G, p.Arg585Gly (NM_001318827.2, NM_001406670.1, NM_001406678.1); c.1717C>G, p.Arg573Gly (NM_001318829.2, NM_001406675.1, NM_001406676.1 and 1 more transcripts); c.1897C>G, p.Arg633Gly (NM_001318832.2); and 3 more; short protein forms R174G, R422G, R468G, R573G, R585G, R603G, R618G, R622G.
Identifiers: ClinVar variation 3232093 (VCV003232093.3), dbSNP rs397514914, ClinGen allele CA394273075.
Genomic context (GRCh38, chr16:2,071,534, plus strand): 5'-GCTTGGCTCTGGCTTTCACCATCCTCTTCCTGACAGGCCTTTGACTTCCTGTTGCTGCTG[C>G]GGGCCGACTCACTGCACCGCCTGGGCCTGCCCAACAAGGATGGAGTCGTGCGGTTCAGCC-3'
Protein context (NP_000539.2, residues 612-632): LQAFDFLLLL[Arg622Gly]ADSLHRLGLP

ClinVar aggregate classification (germline): Uncertain significance. Review status: criteria provided, multiple submitters, no conflicts (2 of 4 stars). 2 submissions from 2 submitters: Uncertain significance (2). Last evaluated 2024-07-11.

Conditions:
Hereditary cancer-predisposing syndrome. Also called: Hereditary Cancer Syndrome; Tumor predisposition; Neoplastic Syndromes, Hereditary; Hereditary neoplastic syndrome. Identifiers: Orphanet 140162, MedGen C0027672, MeSH D009386, MONDO:0015356.
Tuberous sclerosis 2 (TSC2). Identifiers: Orphanet 805, MedGen C1860707, MONDO:0013199, OMIM 613254.

gnomAD v4.1: 1 of 1,613,620 alleles (0.000062%); highest among the groups gnomAD compares: Non-Finnish European, 0.000085%; no homozygotes.

Submissions (2):

Labcorp Genetics (formerly Invitae), Labcorp
Classification: Uncertain significance for Tuberous sclerosis 2. Last evaluated: 2024-07-11. Review status: criteria provided, single submitter. Criteria: Invitae Variant Classification Sherloc (09022015). Collection method: clinical testing. Allele origin: germline.
Comment: This sequence change replaces arginine, which is basic and polar, with glycine, which is neutral and non-polar, at codon 622 of the TSC2 protein (p.Arg622Gly). This variant is not present in population databases (gnomAD no frequency). This variant has not been reported in the literature in individuals affected with TSC2-related conditions. Advanced modeling of protein sequence and biophysical properties (such as structural, functional, and spatial information, amino acid conservation, physicochemical variation, residue mobility, and thermodynamic stability) has been performed at Invitae for this missense variant, however the output from this modeling did not meet the statistical confidence thresholds required to predict the impact of this variant on TSC2 protein function. In summary, the available evidence is currently insufficient to determine the role of this variant in disease. Therefore, it has been classified as a Variant of Uncertain Significance.

Ambry Genetics
Classification: Uncertain significance for Hereditary cancer-predisposing syndrome. Last evaluated: 2024-02-08. Review status: criteria provided, single submitter. Criteria: Ambry Variant Classification Scheme 2023. Collection method: clinical testing. Allele origin: germline.
Comment: The p.R622G variant (also known as c.1864C>G), located in coding exon 17 of the TSC2 gene, results from a C to G substitution at nucleotide position 1864. The arginine at codon 622 is replaced by glycine, an amino acid with dissimilar properties. This amino acid position is highly conserved in available vertebrate species. In addition, this alteration is predicted to be deleterious by in silico analysis. The evidence for this gene-disease relationship is limited; therefore, the clinical significance of this alteration is unclear.